The following is an entry in ClinVar:

ClinVar aggregate classification (germline): Uncertain significance (1 of 4 stars; one submission).

Allele frequency attached by ClinVar (database versions not stated): gnomAD exomes 0.00006 and 0.00010; ExAC 0.00007; gnomAD 0.00013 and 0.00014; TOPMed 0.00013; 1000 Genomes Project 30x 0.00016; 1000 Genomes Project 0.00020; ESP Exome Variant Server 0.00023.
gnomAD v4.1: 161 of 1,614,042 alleles (0.01%); highest among the groups gnomAD compares: African/African-American, 0.029%; no homozygotes.

Submission:

Labcorp Genetics (formerly Invitae), Labcorp
Classification: Uncertain significance. Last evaluated: 2022-07-05. Review status: criteria provided, single submitter. Criteria: Invitae Variant Classification Sherloc (09022015). Collection method: clinical testing. Allele origin: germline.
Comment: This variant is present in population databases (rs140950062, gnomAD 0.03%). This sequence change replaces arginine, which is basic and polar, with tryptophan, which is neutral and slightly polar, at codon 3053 of the CENPF protein (p.Arg3053Trp). This variant has not been reported in the literature in individuals affected with CENPF-related conditions. ClinVar contains an entry for this variant (Variation ID: 1523284). Algorithms developed to predict the effect of missense changes on protein structure and function are either unavailable or do not agree on the potential impact of this missense change (SIFT: "Deleterious"; PolyPhen-2: "Benign"; Align-GVGD: "Class C0"). In summary, the available evidence is currently insufficient to determine the role of this variant in disease. Therefore, it has been classified as a Variant of Uncertain Significance.

NM_016343.4(CENPF):c.9157C>T (p.Arg3053Trp)

Gene: CENPF (centromere protein F; plus strand). Cytogenetic location: 1q41.
Variant type: single nucleotide variant.
Coding change: c.9157C>T on transcript NM_016343.4 (MANE Select); coding-DNA position 9157, C replaced by T.
Protein change: p.Arg3053Trp; replaces arginine 3053 with tryptophan.
Molecular consequence: missense variant.
Genome position (GRCh38, 1-based): chr1:214,663,606, C>T. VCF-style: chr1-214663606-C-T. GRCh37 (hg19) VCF-style: chr1-214836949-C-T.
Other names: short protein forms R3053W.
Identifiers: ClinVar variation 1523284 (VCV001523284.7), dbSNP rs140950062, ClinGen allele CA1391592.